The following is an entry in ClinVar:

NM_003954.5(MAP3K14):c.1152+4A>G

Gene: MAP3K14 (mitogen-activated protein kinase kinase kinase 14; minus strand). Cytogenetic location: 17q21.31.
Variant type: single nucleotide variant.
Coding change: c.1152+4A>G on transcript NM_003954.5 (MANE Select); 4 bases into the intron after coding-DNA position 1152, A replaced by G.
Molecular consequence: intron variant.
Genome position (GRCh38, 1-based): chr17:45,286,427, T>C on the plus strand (A>G on the coding strand, the complement: MAP3K14 is on the minus strand). VCF-style: chr17-45286427-T-C. GRCh37 (hg19) VCF-style: chr17-43363794-T-C.
Identifiers: ClinVar variation 2118981 (VCV002118981.2), dbSNP rs377691659, ClinGen allele CA8614213.

ClinVar aggregate classification (germline): Uncertain significance (1 of 4 stars; one submission).

Conditions:
NIK deficiency. Also called: Primary immunodeficiency with multifaceted aberrant lymphoid immunity. Identifiers: Orphanet 447731, MedGen C5680065, MONDO:0018642.

Allele frequency attached by ClinVar (database versions not stated): gnomAD 0.00001; ExAC 0.00002; ESP Exome Variant Server 0.00008.
gnomAD v4.1: 31 of 1,580,890 alleles (0.002%); highest among the groups gnomAD compares: Non-Finnish European, 0.0024%; no homozygotes.

Submission:

Labcorp Genetics (formerly Invitae), Labcorp
Classification: Uncertain significance for NIK deficiency. Last evaluated: 2022-05-30. Review status: criteria provided, single submitter. Criteria: Invitae Variant Classification Sherloc (09022015). Collection method: clinical testing. Allele origin: germline.
Comment: This sequence change falls in intron 5 of the MAP3K14 gene. It does not directly change the encoded amino acid sequence of the MAP3K14 protein. It affects a nucleotide within the consensus splice site. The frequency data for this variant in the population databases is considered unreliable, as metrics indicate poor data quality at this position in the gnomAD database. This variant has not been reported in the literature in individuals affected with MAP3K14-related conditions. Variants that disrupt the consensus splice site are a relatively common cause of aberrant splicing (PMID: 17576681, 9536098). Algorithms developed to predict the effect of sequence changes on RNA splicing suggest that this variant may disrupt the consensus splice site. In summary, the available evidence is currently insufficient to determine the role of this variant in disease. Therefore, it has been classified as a Variant of Uncertain Significance.

Literature cited by the submitters: PubMed 17576681; PubMed 9536098.